The following is an entry in ClinVar:

NM_003128.3(SPTBN1):c.3184A>G (p.Ser1062Gly)

Gene: SPTBN1 (spectrin beta, non-erythrocytic 1; plus strand). Cytogenetic location: 2p16.2.
Variant type: single nucleotide variant.
Coding change: c.3184A>G on transcript NM_003128.3 (MANE Select); coding-DNA position 3184, A replaced by G.
Protein change: p.Ser1062Gly; replaces serine 1062 with glycine.
Molecular consequence: missense variant.
Genome position (GRCh38, 1-based): chr2:54,631,231, A>G. VCF-style: chr2-54631231-A-G. GRCh37 (hg19) VCF-style: chr2-54858368-A-G.
Other names: c.3145A>G, p.Ser1049Gly (NM_178313.3); short protein forms S1049G, S1062G.
Identifiers: ClinVar variation 3961605 (VCV003961605.2).

ClinVar aggregate classification (germline): Uncertain significance. Review status: criteria provided, multiple submitters, no conflicts (2 of 4 stars). 2 submissions from 2 submitters: Uncertain significance (2). Last evaluated 2026-08-06.

Conditions:
Developmental delay, impaired speech, and behavioral abnormalities. Identifiers: MedGen C5561957, MONDO:0859178, OMIM 619475.
Inborn genetic diseases. Identifiers: MedGen C0950123, MeSH D030342.

gnomAD v4.1: 4 of 1,614,194 alleles (0.00025%); highest among the groups gnomAD compares: Admixed American, 0.0017%; no homozygotes.

Submissions (2):

OLLIN Analises Genomicas, OLLIN
Classification: Uncertain significance for Developmental delay, impaired speech, and behavioral abnormalities. Last evaluated: 2026-08-06. Review status: criteria provided, single submitter. Criteria: ACMG Guidelines 2015 PMID 25741868. Collection method: clinical testing. Allele origin: germline. Inheritance: Autosomal dominant inheritance.
Comment: This missense variant, located in exon 16 (of 36), has been reported in ClinVar (accession VCV003961605.1) and in gnomAD with an allele frequency of 0.00025%. However, to our knowledge, it has not been reported in the scientific literature. In silico analysis predicts that this variant has a tolerated effect. This gene is constrained for missense variation. According to the currently available evidence, this variant has been classified as uncertain significance (PP2, BP4_M).

Ambry Genetics
Classification: Uncertain significance for Inborn genetic diseases. Last evaluated: 2025-04-12. Review status: criteria provided, single submitter. Criteria: Ambry Variant Classification Scheme 2023. Collection method: clinical testing. Allele origin: germline.